The following is an entry in ClinVar:

ClinVar aggregate classification (germline): Uncertain significance (1 of 4 stars; one submission).

Conditions:
Bethlem myopathy 2 (BTHLM2). Identifiers: Orphanet 536516, Orphanet 610, MedGen C4225313, MONDO:0034022, OMIM 616471.
Ullrich congenital muscular dystrophy 2 (UCMD2). Identifiers: Orphanet 75840, MedGen C4225314, MONDO:0014654, OMIM 616470.

Submission:

Labcorp Genetics (formerly Invitae), Labcorp
Classification: Uncertain significance for Bethlem myopathy 2; Ullrich congenital muscular dystrophy 2. Last evaluated: 2025-12-22. Review status: criteria provided, single submitter. Criteria: Invitae Variant Classification Sherloc (09022015). Collection method: clinical testing. Allele origin: germline.
Comment: This sequence change replaces threonine, which is neutral and polar, with alanine, which is neutral and non-polar, at codon 1175 of the COL12A1 protein (p.Thr1175Ala). This variant is not present in population databases (gnomAD no frequency). This variant has not been reported in the literature in individuals affected with COL12A1-related conditions. Invitae Evidence Modeling of protein sequence and biophysical properties (such as structural, functional, and spatial information, amino acid conservation, physicochemical variation, residue mobility, and thermodynamic stability) indicates that this missense variant is not expected to disrupt COL12A1 protein function with a negative predictive value of 80%. In summary, the available evidence is currently insufficient to determine the role of this variant in disease. Therefore, it has been classified as a Variant of Uncertain Significance.

NM_004370.6(COL12A1):c.3523A>G (p.Thr1175Ala)

Gene: COL12A1 (collagen type XII alpha 1 chain; minus strand). Cytogenetic location: 6q13.
Variant type: single nucleotide variant.
Coding change: c.3523A>G on transcript NM_004370.6 (MANE Select); coding-DNA position 3523, A replaced by G.
Protein change: p.Thr1175Ala; replaces threonine 1175 with alanine.
Molecular consequence: missense variant. On other transcripts: intron variant (2).
Genome position (GRCh38, 1-based): chr6:75,154,458, T>C on the plus strand (A>G on the coding strand, the complement: COL12A1 is on the minus strand). VCF-style: chr6-75154458-T-C. GRCh37 (hg19) VCF-style: chr6-75864174-T-C.
Other names: c.3523A>G, p.Thr1175Ala (NM_001424113.1, NM_001424114.1); c.3250A>G, p.Thr1084Ala (NM_001424115.1); c.74-1976A>G (NM_001424116.1, NM_080645.3); short protein forms T1175A, T1084A.
Identifiers: ClinVar variation 4791262 (VCV004791262.1).